The following is an entry in ClinVar:

NM_000057.4(BLM):c.1137C>T (p.Ile379=)

Gene: BLM (BLM RecQ like helicase; plus strand). Cytogenetic location: 15q26.1.
Variant type: single nucleotide variant.
Coding change: c.1137C>T on transcript NM_000057.4 (MANE Select); coding-DNA position 1137, C replaced by T.
Protein change: p.Ile379=; no amino-acid change (isoleucine 379 retained).
Molecular consequence: synonymous variant.
Genome position (GRCh38, 1-based): chr15:90,760,196, C>T. VCF-style: chr15-90760196-C-T. GRCh37 (hg19) VCF-style: chr15-91303426-C-T.
Other names: c.1137C>T, p.Ile379= (NM_001287246.2, NM_001287247.2); c.12C>T, p.Ile4= (NM_001287248.2).
Identifiers: ClinVar variation 2832291 (VCV002832291.3), dbSNP rs1178783782, ClinGen allele CA492158382.
Genomic context (GRCh38, chr15:90,760,196, plus strand): 5'-TTATTTTATAGCTAGACAGATAAGTTTACAGCAGCAGCTTATTCATGTGATGGAGCACAT[C>T]TGTAAATTAATTGATACTATTCCTGATGATAAACTGAAACTTTTGGATTGTGGGAACGAA-3'
Protein context (NP_000048.1, residues 369-389): QQQLIHVMEH[Ile379=]CKLIDTIPDD

ClinVar aggregate classification (germline): Uncertain significance (1 of 4 stars; one submission).

Conditions:
Bloom syndrome (BLM). Also called: Bloom-Torre-Machacek syndrome. Identifiers: Orphanet 125, MedGen C0005859, MONDO:0008876, OMIM 210900.

gnomAD v4.1: 2 of 1,613,020 alleles (0.00012%); highest among the groups gnomAD compares: Admixed American, 0.0017%; no homozygotes.

Submission:

Labcorp Genetics (formerly Invitae), Labcorp
Classification: Uncertain significance for Bloom syndrome. Last evaluated: 2023-01-27. Review status: criteria provided, single submitter. Criteria: Invitae Variant Classification Sherloc (09022015). Collection method: clinical testing. Allele origin: germline.
Comment: In summary, the available evidence is currently insufficient to determine the role of this variant in disease. Therefore, it has been classified as a Variant of Uncertain Significance. Studies have shown that this variant is associated with altered splicing resulting in unknown protein product impact (Invitae). This variant has not been reported in the literature in individuals affected with BLM-related conditions. This variant is not present in population databases (gnomAD no frequency). This sequence change affects codon 379 of the BLM mRNA. It is a 'silent' change, meaning that it does not change the encoded amino acid sequence of the BLM protein.